The following is an entry in ClinVar:

ClinVar aggregate classification (germline): Uncertain significance (1 of 4 stars; one submission).

Conditions:
Werner syndrome (WRN). Identifiers: Orphanet 902, MedGen C0043119, MONDO:0010196, OMIM 277700.

Allele frequency attached by ClinVar (database versions not stated): gnomAD exomes below 0.00001.
gnomAD v4.1: 1 of 1,613,868 alleles (0.000062%); highest among the groups gnomAD compares: Non-Finnish European, 0.000085%; no homozygotes.

Submission:

Labcorp Genetics (formerly Invitae), Labcorp
Classification: Uncertain significance for Werner syndrome. Last evaluated: 2023-05-20. Review status: criteria provided, single submitter. Criteria: Invitae Variant Classification Sherloc (09022015). Collection method: clinical testing. Allele origin: germline.
Comment: This sequence change replaces leucine, which is neutral and non-polar, with valine, which is neutral and non-polar, at codon 363 of the WRN protein (p.Leu363Val). This variant is not present in population databases (gnomAD no frequency). This variant has not been reported in the literature in individuals affected with WRN-related conditions. An algorithm developed to predict the effect of missense changes on protein structure and function (PolyPhen-2) suggests that this variant is likely to be tolerated. In summary, the available evidence is currently insufficient to determine the role of this variant in disease. Therefore, it has been classified as a Variant of Uncertain Significance.

NM_000553.6(WRN):c.1087C>G (p.Leu363Val)

Gene: WRN (WRN RecQ like helicase; plus strand). Cytogenetic location: 8p12.
Variant type: single nucleotide variant.
Coding change: c.1087C>G on transcript NM_000553.6 (MANE Select); coding-DNA position 1087, C replaced by G.
Protein change: p.Leu363Val; replaces leucine 363 with valine.
Molecular consequence: missense variant.
Genome position (GRCh38, 1-based): chr8:31,081,114, C>G. VCF-style: chr8-31081114-C-G. GRCh37 (hg19) VCF-style: chr8-30938630-C-G.
Other names: short protein forms L363V.
Identifiers: ClinVar variation 2866070 (VCV002866070.3), dbSNP rs1585427933, ClinGen allele CA370920641.